The following is an entry in ClinVar:

NM_000059.4(BRCA2):c.466G>A (p.Asp156Asn)

Gene: BRCA2 (BRCA2 DNA repair associated; plus strand). Cytogenetic location: 13q13.1.
Variant type: single nucleotide variant.
Coding change: c.466G>A on transcript NM_000059.4 (MANE Select); coding-DNA position 466, G replaced by A.
Protein change: p.Asp156Asn; replaces aspartic acid 156 with asparagine.
Molecular consequence: missense variant.
Genome position (GRCh38, 1-based): chr13:32,326,141, G>A. VCF-style: chr13-32326141-G-A. GRCh37 (hg19) VCF-style: chr13-32900278-G-A.
Other names: short protein forms D156N.
Identifiers: ClinVar variation 941149 (VCV000941149.10), dbSNP rs2072344315, ClinGen allele CA387757192.

ClinVar aggregate classification (germline): Uncertain significance (1 of 4 stars; one submission).

Conditions:
Hereditary breast ovarian cancer syndrome. Also called: Hereditary breast and/or ovarian cancer syndrome; Hereditary breast and ovarian cancer syndrome; Hereditary breast and ovarian cancer; Hereditary breast and ovarian cancer syndrome (HBOC); Breast and ovarian cancer; BRCA1- and BRCA2-Associated Hereditary Breast and Ovarian Cancer. Identifiers: Orphanet 145, MedGen C0677776, MeSH D061325, MONDO:0003582. Disease mechanism: loss of function.

Submission:

Labcorp Genetics (formerly Invitae), Labcorp
Classification: Uncertain significance for Hereditary breast ovarian cancer syndrome. Last evaluated: 2021-06-02. Review status: criteria provided, single submitter. Criteria: Invitae Variant Classification Sherloc (09022015). Collection method: clinical testing. Allele origin: germline.
Comment: In summary, the available evidence is currently insufficient to determine the role of this variant in disease. Therefore, it has been classified as a Variant of Uncertain Significance. Advanced modeling of protein sequence and biophysical properties (such as structural, functional, and spatial information, amino acid conservation, physicochemical variation, residue mobility, and thermodynamic stability) performed at Invitae indicates that this missense variant is not expected to disrupt BRCA2 protein function. This variant has not been reported in the literature in individuals with BRCA2-related conditions. ClinVar contains an entry for this variant (Variation ID: 941149). This variant is not present in population databases (ExAC no frequency). This sequence change replaces aspartic acid with asparagine at codon 156 of the BRCA2 protein (p.Asp156Asn). The aspartic acid residue is weakly conserved and there is a small physicochemical difference between aspartic acid and asparagine.